The following is an entry in ClinVar:

NM_012448.4(STAT5B):c.298C>T (p.Arg100Cys)

Gene: STAT5B (signal transducer and activator of transcription 5B; minus strand). Cytogenetic location: 17q21.2.
Variant type: single nucleotide variant.
Coding change: c.298C>T on transcript NM_012448.4 (MANE Select); coding-DNA position 298, C replaced by T.
Protein change: p.Arg100Cys; replaces arginine 100 with cysteine.
Molecular consequence: missense variant.
Genome position (GRCh38, 1-based): chr17:42,224,856, G>A on the plus strand (C>T on the coding strand, the complement: STAT5B is on the minus strand). VCF-style: chr17-42224856-G-A. GRCh37 (hg19) VCF-style: chr17-40376874-G-A.
Other names: short protein forms R100C.
Identifiers: ClinVar variation 973672 (VCV000973672.8), dbSNP rs199894785, ClinGen allele CA8574326.
Genomic context (GRCh38, chr17:42,224,856, plus strand): 5'-CCAACCTCTGTTCATTGTACAATATATGGCGGATGCAGCGGACCAGCTCCATGGGGCAGC[G>A]GTCATACGTGTTCTGAAAGAATCCAACAGCAGACATCACTTTGTGCCACTCCACACTATG-3'
Protein context (NP_036580.2, residues 90-110): YATQLQNTYD[Arg100Cys]CPMELVRCIR

ClinVar aggregate classification (germline): Uncertain significance. Review status: criteria provided, single submitter (1 of 4 stars). 2 submissions from 2 submitters: Uncertain significance (1). 1 of the submissions does not count toward it. Last evaluated 2026-01-05.

Conditions:
Growth hormone insensitivity with immune dysregulation 1, autosomal recessive. Also called: GROWTH HORMONE INSENSITIVITY SYNDROME WITH IMMUNE DYSREGULATION 1, AUTOSOMAL RECESSIVE; LARON SYNDROME DUE TO POSTRECEPTOR DEFECT; Laron syndrome with immunodeficiency; GROWTH HORMONE INSENSITIVITY DUE TO POSTRECEPTOR DEFECT. Identifiers: Orphanet 220465, MedGen C5435698, MONDO:0100211, OMIM 245590.

Allele frequency attached by ClinVar (database versions not stated): gnomAD 0.00006 and 0.00007; gnomAD exomes 0.00007 and 0.00008; ESP Exome Variant Server 0.00008; ExAC 0.00009; TOPMed 0.00009.
gnomAD v4.1: 123 of 1,613,448 alleles (0.0076%); highest among the groups gnomAD compares: Non-Finnish European, 0.0099%; no homozygotes.

Submissions (2):

Labcorp Genetics (formerly Invitae), Labcorp
Classification: Uncertain significance for Growth hormone insensitivity with immune dysregulation 1, autosomal recessive. Last evaluated: 2026-01-05. Review status: criteria provided, single submitter. Criteria: Invitae Variant Classification Sherloc (09022015). Collection method: clinical testing. Allele origin: germline.
Comment: This sequence change replaces arginine, which is basic and polar, with cysteine, which is neutral and slightly polar, at codon 100 of the STAT5B protein (p.Arg100Cys). This variant is present in population databases (rs199894785, gnomAD 0.02%). This variant has not been reported in the literature in individuals affected with STAT5B-related conditions. ClinVar contains an entry for this variant (Variation ID: 973672). Invitae Evidence Modeling of protein sequence and biophysical properties (such as structural, functional, and spatial information, amino acid conservation, physicochemical variation, residue mobility, and thermodynamic stability) indicates that this missense variant is not expected to disrupt STAT5B protein function with a negative predictive value of 80%. In summary, the available evidence is currently insufficient to determine the role of this variant in disease. Therefore, it has been classified as a Variant of Uncertain Significance.

UOSD Laboratory of Genetics & Genomics of Rare Diseases, Istituto Giannina Gaslini
Classification: Uncertain significance for Growth hormone insensitivity with immune dysregulation 1, autosomal recessive. Last evaluated: 2020-05-21. Review status: no assertion criteria provided. Collection method: clinical testing. Allele origin: germline. Affected: yes. Observed: 1 variant allele. Not counted in ClinVar's aggregate classification.